The following is an entry in ClinVar:

ClinVar aggregate classification (germline): Conflicting classifications of pathogenicity. Review status: criteria provided, conflicting classifications (1 of 4 stars). 5 submissions from 5 submitters: Uncertain significance (2); Likely benign (3). Last evaluated 2025-10-18.

Conditions:
Immunodeficiency 35 (IMD35). Also called: TYK2 DEFICIENCY; HIES WITH ATYPICAL MYCOBACTERIOSIS, AUTOSOMAL RECESSIVE; HYPER-IgE SYNDROME WITH ATYPICAL MYCOBACTERIOSIS, AUTOSOMAL RECESSIVE; Susceptibility to infection due to TYK2 deficiency. Identifiers: Orphanet 331226, MedGen C1969086, MONDO:0012682, OMIM 611521.
Recurrent skin infections. Identifiers: MedGen C1853193, HP:0001581.
Immunodeficiency. Identifiers: MedGen C0021051, MONDO:0021094, HP:0002721.

Allele frequency attached by ClinVar (database versions not stated): 1000 Genomes Project 30x 0.00016; 1000 Genomes Project 0.00020; gnomAD exomes 0.00025 and 0.00046; gnomAD 0.00028 and 0.00030; TOPMed 0.00028; ExAC 0.00038; ESP Exome Variant Server 0.00055.
gnomAD v4.1: 708 of 1,610,626 alleles (0.044%); highest among the groups gnomAD compares: Non-Finnish European, 0.054%; no homozygotes.

Submissions (5):

Labcorp Genetics (formerly Invitae), Labcorp
Classification: Likely benign for Immunodeficiency 35. Last evaluated: 2025-10-18. Review status: criteria provided, single submitter. Criteria: Invitae Variant Classification Sherloc (09022015). Collection method: clinical testing. Allele origin: germline.

Blueprint Genetics
Classification: Likely benign. Last evaluated: 2024-11-04. Review status: criteria provided, single submitter. Criteria: ACMG Guidelines, 2015. Collection method: clinical testing. Allele origin: germline.

CeGaT Center for Human Genetics Tuebingen
Classification: Likely benign. Last evaluated: 2024-03-01. Review status: criteria provided, single submitter. Criteria: CeGaT Center For Human Genetics Tuebingen Variant Classification Criteria Version 2. Collection method: clinical testing. Allele origin: germline. Affected: yes. Observed: 1 variant allele.
Comment: TYK2: BP4, BP7

Diagnostics Services (NGS), CSIR - Centre For Cellular And Molecular Biology
Classification: Uncertain significance for Recurrent skin infections; Immunodeficiency. Last evaluated: 2019-10-10. Review status: criteria provided, single submitter. Criteria: ACMG Guidelines, 2015. Collection method: clinical testing. Allele origin: unknown. Inheritance: Autosomal recessive inheritance. Affected: yes. Observed: 1 heterozygote.
Comment: The c.648G>A variant is present in publicly available databases like 1000 Genomes, EVS, ExAC, gnomAD and dbSNP at very low minor allele frequency (<0.0002), in heterozygous state. The variant is also not present in our in-house exome database. This variant was also not reported earlier in OMIM, ClinVar and HGMD databases in any other affected individuals. In-silico splice-site aberration prediction program Human Splice Finder version 3.1 (HSF) predicted possible effect of splicing due to alteration of an exonic splicing enhancer (ESE) region by this variant. In-silico pathogenicity prediction programs like Mutation Taster2 and CADD predicted this variant as likely deleterious. However there are no functional studies performed earlier. Due to lack of enough evidence and also considering the phenotype of the patient the variant has been classified as uncertain significance as per the ACMG guidelines.

Illumina Laboratory Services, Illumina
Classification: Uncertain significance for Immunodeficiency 35. Last evaluated: 2017-04-27. Review status: criteria provided, single submitter. Criteria: ICSL Variant Classification Criteria 13 December 2019. Collection method: clinical testing. Allele origin: germline.

NM_003331.5(TYK2):c.648G>A (p.Pro216=)

Gene: TYK2 (tyrosine kinase 2; minus strand). Cytogenetic location: 19p13.2.
Variant type: single nucleotide variant.
Coding change: c.648G>A on transcript NM_003331.5 (MANE Select); coding-DNA position 648, G replaced by A.
Protein change: p.Pro216=; no amino-acid change (proline 216 retained).
Molecular consequence: synonymous variant.
Genome position (GRCh38, 1-based): chr19:10,365,880, C>T on the plus strand (G>A on the coding strand, the complement: TYK2 is on the minus strand). VCF-style: chr19-10365880-C-T. GRCh37 (hg19) VCF-style: chr19-10476556-C-T.
Identifiers: ClinVar variation 788263 (VCV000788263.42), dbSNP rs142642403, ClinGen allele CA9193661.